The following is an entry in ClinVar:

ClinVar aggregate classification (germline): Likely benign. Review status: criteria provided, multiple submitters, no conflicts (2 of 4 stars). 3 submissions from 3 submitters: Likely benign (2). 1 of the submissions does not count toward it. Last evaluated 2026-01-01.

Conditions:
Inborn genetic diseases. Identifiers: MedGen C0950123, MeSH D030342.
Landau-Kleffner syndrome (FESD). Also called: APHASIA, ACQUIRED, WITH EPILEPSY; EPILEPSY, FOCAL, WITH SPEECH DISORDER AND WITH OR WITHOUT MENTAL RETARDATION. Identifiers: Orphanet 1945, Orphanet 725, Orphanet 98818, MedGen C0282512, MONDO:0009509, OMIM 245570.
GRIN2A-related complex neurodevelopmental disorder. Also called: GRIN2A-related disorder; GRIN2A-related condition. Identifiers: MedGen CN379781, MONDO:1060139.

Allele frequency attached by ClinVar (database versions not stated): gnomAD exomes 0.00003; gnomAD 0.00015 and 0.00013; ExAC 0.00005; ESP Exome Variant Server 0.00015; TOPMed 0.00022.
gnomAD v4.1: 25 of 1,613,966 alleles (0.0015%); highest among the groups gnomAD compares: African/African-American, 0.031%; no homozygotes.

Submissions (3):

Labcorp Genetics (formerly Invitae), Labcorp
Classification: Likely benign for Landau-Kleffner syndrome. Last evaluated: 2026-01-01. Review status: criteria provided, single submitter. Criteria: Invitae Variant Classification Sherloc (09022015). Collection method: clinical testing. Allele origin: germline.

Ambry Genetics
Classification: Likely benign for Inborn genetic diseases. Last evaluated: 2020-03-13. Review status: criteria provided, single submitter. Criteria: Ambry Variant Classification Scheme 2023. Collection method: clinical testing. Allele origin: germline.

PreventionGenetics, part of Exact Sciences
Classification: Likely benign for GRIN2A-related condition. Last evaluated: 2019-08-27. Review status: no assertion criteria provided. Collection method: clinical testing. Allele origin: germline. Not counted in ClinVar's aggregate classification.
Comment: This variant is classified as likely benign based on ACMG/AMP sequence variant interpretation guidelines (Richards et al. 2015 PMID: 25741868, with internal and published modifications).

NM_001134407.3(GRIN2A):c.1155G>C (p.Leu385=)

Gene: GRIN2A (glutamate ionotropic receptor NMDA type subunit 2A; minus strand). Cytogenetic location: 16p13.2.
Variant type: single nucleotide variant.
Coding change: c.1155G>C on transcript NM_001134407.3 (MANE Select); coding-DNA position 1155, G replaced by C.
Protein change: p.Leu385=; no amino-acid change (leucine 385 retained).
Molecular consequence: synonymous variant.
Genome position (GRCh38, 1-based): chr16:9,849,929, C>G on the plus strand (G>C on the coding strand, the complement: GRIN2A is on the minus strand). VCF-style: chr16-9849929-C-G. GRCh37 (hg19) VCF-style: chr16-9943786-C-G.
Other names: c.1155G>C, p.Leu385= (NM_000833.5, NM_001134408.2).
Identifiers: ClinVar variation 733088 (VCV000733088.14), dbSNP rs139119497, ClinGen allele CA7896789.